The following is an entry in ClinVar:

NM_001127511.3(APC):c.-70A>G

Gene: APC (APC regulator of Wnt signaling pathway; plus strand). Cytogenetic location: 5q22.2.
Variant type: single nucleotide variant.
Coding change: c.-70A>G on transcript NM_001127511.3; 70 bases upstream of the start codon, A replaced by G.
Molecular consequence: 5 prime UTR variant. On other transcripts: non-coding transcript variant (2).
Genome position (GRCh38, 1-based): chr5:112,707,648, A>G. VCF-style: chr5-112707648-A-G. GRCh37 (hg19) VCF-style: chr5-112043345-A-G.
Other names: c.-253A>G (NM_001354895.2, NM_001407447.1, NM_001407452.1 and 3 more transcripts); c.-70A>G (NM_001354897.2, NM_001354902.2, NM_001407446.1); c.-20A>G (NM_001407448.1, NM_001407450.1, NM_001407457.1 and 1 more transcripts); c.-44A>G (NM_001407453.1); c.-1288A>G (NM_001407470.1, NM_001407472.1).
Identifiers: ClinVar variation 1062767 (VCV001062767.9), dbSNP rs1580996503, ClinGen allele CA1080214966.

ClinVar aggregate classification (germline): Uncertain significance (1 of 4 stars; one submission).

Conditions:
Familial adenomatous polyposis 1 (FAP1). Also called: FAMILIAL ADENOMATOUS POLYPOSIS 1, ATTENUATED; POLYPOSIS, ADENOMATOUS INTESTINAL. Identifiers: MedGen C2713442, MONDO:0021056, OMIM 175100. Disease mechanism: loss of function.

Allele frequency attached by ClinVar (database versions not stated): gnomAD 0.00001; TOPMed 0.00001.
gnomAD v4.1: 1 of 1,359,662 alleles (0.000074%); highest among the groups gnomAD compares: Non-Finnish European, 0.000097%; no homozygotes.

Submission:

Labcorp Genetics (formerly Invitae), Labcorp
Classification: Uncertain significance for Familial adenomatous polyposis 1. Last evaluated: 2019-07-11. Review status: criteria provided, single submitter. Criteria: Invitae Variant Classification Sherloc (09022015). Collection method: clinical testing. Allele origin: germline.
Comment: This variant occurs in a non-coding region of the APC gene. It does not change the encoded amino acid sequence of the APC protein. The frequency data for this variant in the population databases is considered unreliable, as metrics indicate insufficient coverage at this position in the ExAC database. This variant has not been reported in the literature in individuals with APC-related conditions. Experimental studies and prediction algorithms are not available for this variant, and the functional significance of this non-coding change is currently unknown. In summary, the available evidence is currently insufficient to determine the role of this variant in disease. Therefore, it has been classified as a Variant of Uncertain Significance.